The following is an entry in ClinVar:

ClinVar aggregate classification (germline): Pathogenic (1 of 4 stars; one submission).

Submission:

Labcorp Genetics (formerly Invitae), Labcorp
Classification: Pathogenic. Last evaluated: 2022-03-29. Review status: criteria provided, single submitter. Criteria: Invitae Variant Classification Sherloc (09022015). Collection method: clinical testing. Allele origin: germline.
Comment: This sequence change creates a premature translational stop signal (p.Gln385*) in the CHM gene. It is expected to result in an absent or disrupted protein product. Loss-of-function variants in CHM are known to be pathogenic (PMID: 9067750, 23811034). This variant is not present in population databases (gnomAD no frequency). This variant has not been reported in the literature in individuals affected with CHM-related conditions. ClinVar contains an entry for this variant (Variation ID: 1075716). For these reasons, this variant has been classified as Pathogenic.

Literature cited by the submitters: PubMed 9067750; PubMed 23811034.

NM_000390.4(CHM):c.1153C>T (p.Gln385Ter)

Gene: CHM (CHM Rab escort protein; minus strand). Cytogenetic location: Xq21.2.
Variant type: single nucleotide variant.
Coding change: c.1153C>T on transcript NM_000390.4 (MANE Select); coding-DNA position 1153, C replaced by T.
Protein change: p.Gln385Ter; replaces glutamine 385 with a stop codon.
Molecular consequence: nonsense.
Genome position (GRCh38, 1-based): chrX:85,956,166, G>A on the plus strand (C>T on the coding strand, the complement: CHM is on the minus strand). VCF-style: chrX-85956166-G-A. GRCh37 (hg19) VCF-style: chrX-85211171-G-A.
Other names: c.709C>T, p.Gln237Ter (NM_001320959.1, NM_001362517.1, NM_001362518.2 and 1 more transcripts); short protein forms Q237*, Q385*.
Identifiers: ClinVar variation 1075716 (VCV001075716.7), dbSNP rs2147662919, ClinGen allele CA413784762.